The following is an entry in ClinVar:

NM_001135580.2(TEKTIP1):c.414G>C (p.Leu138=)

Genes: MFSD12 (major facilitator superfamily domain containing 12; minus strand), TEKTIP1 (tektin bundle interacting protein 1; plus strand). Cytogenetic location: 19p13.3.
Variant type: single nucleotide variant.
Coding change: c.414G>C on transcript NM_001135580.2 (MANE Select); coding-DNA position 414, G replaced by C.
Protein change: p.Leu138=; no amino-acid change (leucine 138 retained).
Molecular consequence: synonymous variant.
Genome position (GRCh38, 1-based): chr19:3,543,646, G>C. VCF-style: chr19-3543646-G-C. GRCh37 (hg19) VCF-style: chr19-3543644-G-C.
Identifiers: ClinVar variation 2648990 (VCV002648990.24), dbSNP rs2030650981, ClinGen allele CA505154320.
Genomic context (GRCh38, chr19:3,543,646, plus strand): 5'-GCATGACCCCATCGTCCCTGCCCAGTACCAGGCCCCCAGCACCCGGTGGGGGAGCGCGCT[G>C]TGGAAAGACAGGCCAATCCGGGGCAAGGAATACGGTGAGGCTAGGTGCAGGGTGGGTCCT-3'
Protein context (NP_001129052.1, residues 128-148): QAPSTRWGSA[Leu138=]WKDRPIRGKE

ClinVar aggregate classification (germline): Likely benign (1 of 4 stars; one submission).

gnomAD v4.1: 2 of 1,543,936 alleles (0.00013%); highest among the groups gnomAD compares: Non-Finnish European, 0.00017%; no homozygotes.

Submission:

CeGaT Center for Human Genetics Tuebingen
Classification: Likely benign. Last evaluated: 2022-04-01. Review status: criteria provided, single submitter. Criteria: CeGaT Center For Human Genetics Tuebingen Variant Classification Criteria Version 2. Collection method: clinical testing. Allele origin: germline. Affected: yes. Observed: 1 variant allele.
Comment: TEKTIP1: PM2:Supporting, BP4, BP7